The following is an entry in ClinVar:

NM_015331.3(NCSTN):c.944C>T (p.Ala315Val)

Gene: NCSTN (nicastrin; plus strand). Cytogenetic location: 1q23.2.
Variant type: single nucleotide variant.
Coding change: c.944C>T on transcript NM_015331.3 (MANE Select); coding-DNA position 944, C replaced by T.
Protein change: p.Ala315Val; replaces alanine 315 with valine.
Molecular consequence: missense variant. On other transcripts: intron variant (1).
Genome position (GRCh38, 1-based): chr1:160,352,154, C>T. VCF-style: chr1-160352154-C-T. GRCh37 (hg19) VCF-style: chr1-160321944-C-T.
Other names: c.884C>T, p.Ala295Val (NM_001290184.2); c.944C>T, p.Ala315Val (NM_001349729.2); c.583-733C>T (NM_001290186.2); short protein forms A295V, A315V.
Identifiers: ClinVar variation 559854 (VCV000559854.4), dbSNP rs1553210405, ClinGen allele CA343279915.
Genomic context (GRCh38, chr1:160,352,154, plus strand): 5'-CTGAAAGCGCAGTGGCTTCCTTTGTCACCCAGCTGGCTGCTGCTGAAGCTTTGCAAAAGG[C>T]ACCTGATGTGACCACCCTGCCCCGCAATGTCATGTTTGTCTTCTTTCAAGGGGTAAGGGC-3'
Protein context (NP_056146.1, residues 305-325): QLAAAEALQK[Ala315Val]PDVTTLPRNV

ClinVar aggregate classification (germline): Conflicting classifications of pathogenicity. Review status: criteria provided, conflicting classifications (1 of 4 stars). 2 submissions from 2 submitters: Likely pathogenic (1); Uncertain significance (1). Last evaluated 2025-10-21.

Conditions:
Acne inversa, familial, 1. Identifiers: MedGen C4551962, MONDO:0007728, OMIM 142690.

Submissions (2):

Labcorp Genetics (formerly Invitae), Labcorp
Classification: Uncertain significance. Last evaluated: 2025-10-21. Review status: criteria provided, single submitter. Criteria: Invitae Variant Classification Sherloc (09022015). Collection method: clinical testing. Allele origin: germline.
Comment: This sequence change replaces alanine, which is neutral and non-polar, with valine, which is neutral and non-polar, at codon 315 of the NCSTN protein (p.Ala315Val). This variant is not present in population databases (gnomAD no frequency). This missense change has been observed in individual(s) with acne inversa (PMID: 26463457). ClinVar contains an entry for this variant (Variation ID: 559854). Invitae Evidence Modeling of protein sequence and biophysical properties (such as structural, functional, and spatial information, amino acid conservation, physicochemical variation, residue mobility, and thermodynamic stability) indicates that this missense variant is not expected to disrupt NCSTN protein function with a negative predictive value of 80%. Algorithms developed to predict the effect of sequence changes on RNA splicing suggest that this variant may disrupt the consensus splice site. In summary, the available evidence is currently insufficient to determine the role of this variant in disease. Therefore, it has been classified as a Variant of Uncertain Significance.

Equipe Genetique des Anomalies du Developpement, Université de Bourgogne
Classification: Likely pathogenic for Acne inversa, familial, 1. Last evaluated: 2017-12-19. Review status: criteria provided, single submitter. Criteria: ACMG Guidelines, 2015. Collection method: clinical testing. Allele origin: unknown. Affected: yes. Study: Clinvar_gadteam_Clinical_exome_analysis_3.

Literature cited by the submitters: PubMed 26463457 (cited by Labcorp Genetics (formerly Invitae), Labcorp).